The following is an entry in ClinVar:

ClinVar aggregate classification (germline): Likely pathogenic. Review status: criteria provided, multiple submitters, no conflicts (2 of 4 stars). 2 submissions from 2 submitters: Likely pathogenic (2). Last evaluated 2022-11-01.

Conditions:
Nephronophthisis. Also called: Juvenile Nephronophthisis. Identifiers: Orphanet 655, MedGen C0687120, MONDO:0019005, HP:0000090.
Jeune thoracic dystrophy. Also called: Jeune syndrome; Infantile thoracic dystrophy; Thoracic pelvic phalangeal dystrophy; Jeune's syndrome; Chondroectodermal dysplasia-like syndrome; Short-rib thoracic dysplasia. Identifiers: Orphanet 474, MedGen C0265275, MONDO:0018770.
TTC21B-related disorder. Also called: TTC21B-related disorders; TTC21B-related condition.

Submissions (2):

Labcorp Genetics (formerly Invitae), Labcorp
Classification: Likely pathogenic for Jeune thoracic dystrophy; Nephronophthisis. Last evaluated: 2022-11-01. Review status: criteria provided, single submitter. Criteria: Invitae Variant Classification Sherloc (09022015). Collection method: clinical testing. Allele origin: germline.
Comment: This variant is not present in population databases (gnomAD no frequency). This sequence change affects a donor splice site in intron 21 of the TTC21B gene. It is expected to disrupt RNA splicing. Variants that disrupt the donor or acceptor splice site typically lead to a loss of protein function (PMID: 16199547), and loss-of-function variants in TTC21B are known to be pathogenic (PMID: 18327258, 21068128, 21258341, 23559409, 24876116, 25492405, 27491411, 29068549). Disruption of this splice site has been observed in individual(s) with TTC21B-related disease (PMID: 23559409). ClinVar contains an entry for this variant (Variation ID: 951910). Algorithms developed to predict the effect of sequence changes on RNA splicing suggest that this variant may disrupt the consensus splice site. In summary, the currently available evidence indicates that the variant is pathogenic, but additional data are needed to prove that conclusively. Therefore, this variant has been classified as Likely Pathogenic.

Blueprint Genetics
Classification: Likely pathogenic for TTC21B-related disorders. Last evaluated: 2019-09-30. Review status: criteria provided, single submitter. Criteria: ACMG Guidelines, 2015. Collection method: clinical testing. Allele origin: germline. Affected: yes. Observed: 2 variant alleles.

Literature cited by the submitters: PubMed 16199547 (cited by Labcorp Genetics (formerly Invitae), Labcorp); PubMed 18327258 (cited by Labcorp Genetics (formerly Invitae), Labcorp); PubMed 21068128 (cited by Labcorp Genetics (formerly Invitae), Labcorp); PubMed 21258341 (cited by Labcorp Genetics (formerly Invitae), Labcorp); PubMed 23559409 (cited by Labcorp Genetics (formerly Invitae), Labcorp); PubMed 24876116 (cited by Labcorp Genetics (formerly Invitae), Labcorp); PubMed 25492405 (cited by Labcorp Genetics (formerly Invitae), Labcorp); PubMed 27491411 (cited by Labcorp Genetics (formerly Invitae), Labcorp); PubMed 29068549 (cited by Labcorp Genetics (formerly Invitae), Labcorp).

NM_024753.5(TTC21B):c.2868+1G>T

Gene: TTC21B (tetratricopeptide repeat domain 21B; minus strand). Cytogenetic location: 2q24.3.
Variant type: single nucleotide variant.
Coding change: c.2868+1G>T on transcript NM_024753.5 (MANE Select); the canonical splice donor site of the intron after coding-DNA position 2868, G replaced by T.
Molecular consequence: splice donor variant.
Genome position (GRCh38, 1-based): chr2:165,899,769, C>A on the plus strand (G>T on the coding strand, the complement: TTC21B is on the minus strand). VCF-style: chr2-165899769-C-A. GRCh37 (hg19) VCF-style: chr2-166756279-C-A.
Identifiers: ClinVar variation 951910 (VCV000951910.11), dbSNP rs1685487857, ClinGen allele CA349050007.